The following is an entry in ClinVar:

ClinVar aggregate classification (germline): Likely benign (1 of 4 stars; one submission).

Allele frequency attached by ClinVar (database versions not stated): ExAC 0.00005; ESP Exome Variant Server 0.00008; TOPMed 0.00010; gnomAD 0.00013.
gnomAD v4.1: 209 of 1,612,250 alleles (0.013%); highest among the groups gnomAD compares: Non-Finnish European, 0.016%; no homozygotes.

Submission:

CeGaT Center for Human Genetics Tuebingen
Classification: Likely benign. Last evaluated: 2024-02-01. Review status: criteria provided, single submitter. Criteria: CeGaT Center For Human Genetics Tuebingen Variant Classification Criteria Version 2. Collection method: clinical testing. Allele origin: germline. Affected: yes. Observed: 1 variant allele.
Comment: BRSK2: BP4, BP7

NM_001256627.2(BRSK2):c.1104G>A (p.Pro368=)

Gene: BRSK2 (BR serine/threonine kinase 2; plus strand). Cytogenetic location: 11p15.5.
Variant type: single nucleotide variant.
Coding change: c.1104G>A on transcript NM_001256627.2 (MANE Select); coding-DNA position 1104, G replaced by A.
Protein change: p.Pro368=; no amino-acid change (proline 368 retained).
Molecular consequence: synonymous variant. On other transcripts: non-coding transcript variant (1).
Genome position (GRCh38, 1-based): chr11:1,445,785, G>A. VCF-style: chr11-1445785-G-A. GRCh37 (hg19) VCF-style: chr11-1467015-G-A.
Other names: c.1104G>A, p.Pro368= (NM_001256629.2, NM_003957.4); c.1242G>A, p.Pro414= (NM_001256630.1); c.924G>A, p.Pro308= (NM_001282218.2).
Identifiers: ClinVar variation 3025518 (VCV003025518.22), dbSNP rs370018765, ClinGen allele CA5810831.